The following is an entry in ClinVar:

ClinVar aggregate classification (germline): Likely pathogenic (1 of 4 stars; one submission).

Conditions:
Joubert syndrome 17 (JBTS17). Identifiers: Orphanet 475, MedGen C3553264, MONDO:0013824, OMIM 614615.
Orofaciodigital syndrome type 6 (OFD6). Also called: OROFACIODIGITAL SYNDROME VI; OFDS VI; POLYDACTYLY, CLEFT LIP/PALATE OR LINGUAL LUMP, AND PSYCHOMOTOR RETARDATION; VARADI SYNDROME; VARADI-PAPP SYNDROME; Oral-facial-digital syndrome type 6. Identifiers: Orphanet 2754, MedGen C2745997, MONDO:0010176, OMIM 277170.

Submission:

Juno Genomics, Hangzhou Juno Genomics, Inc
Classification: Likely pathogenic for Joubert syndrome 17; Orofaciodigital syndrome type 6. Review status: criteria provided, single submitter. Criteria: ACMG Guidelines, 2015. Collection method: clinical testing. Allele origin: germline.
Comment: Null variant in a gene where loss of function (LOF) is a known mechanism of disease.;Absent from controls (or at extremely low frequency if recessive) in Genome Aggregation Database.

NM_001384732.1(CPLANE1):c.8446del (p.Ser2816fs)

Gene: CPLANE1 (ciliogenesis and planar polarity effector complex subunit 1; minus strand). Cytogenetic location: 5p13.2.
Variant type: Deletion.
Coding change: c.8446del on transcript NM_001384732.1 (MANE Select); coding-DNA position 8446, one base deleted (A; older notation c.8446delA).
Protein change: p.Ser2816fs; shifts the reading frame from serine 2816.
Molecular consequence: frameshift variant.
Genome position (GRCh38, 1-based): chr5:37,148,196, T deleted on the plus strand (A on the coding strand, the reverse complement: CPLANE1 is on the minus strand). VCF-style (leftmost placement, unchanged base first): chr5-37148195-CT-C. GRCh37 (hg19) VCF-style: chr5-37148297-CT-C.
Other names: c.8284del, p.Ser2762fs (NM_023073.4); short protein forms S2762fs, S2816fs.
Identifiers: ClinVar variation 5006895 (VCV005006895.2).